The following is an entry in ClinVar:

NM_177438.3(DICER1):c.3529G>C (p.Gly1177Arg)

Gene: DICER1 (dicer 1, ribonuclease III; minus strand). Cytogenetic location: 14q32.13.
Variant type: single nucleotide variant.
Coding change: c.3529G>C on transcript NM_177438.3 (MANE Select); coding-DNA position 3529, G replaced by C.
Protein change: p.Gly1177Arg; replaces glycine 1177 with arginine.
Molecular consequence: missense variant. On other transcripts: non-coding transcript variant (6).
Genome position (GRCh38, 1-based): chr14:95,103,867, C>G on the plus strand (G>C on the coding strand, the complement: DICER1 is on the minus strand). VCF-style: chr14-95103867-C-G. GRCh37 (hg19) VCF-style: chr14-95570204-C-G.
Other names: c.3124G>C, p.Gly1042Arg (NM_001395696.1, NM_001395687.1, NM_001395688.1 and 2 more transcripts); c.1846G>C, p.Gly616Arg (NM_001395697.1); c.3529G>C, p.Gly1177Arg (NM_030621.4, NM_001395695.1, NM_001195573.1 and 12 more transcripts); c.3247G>C, p.Gly1083Arg (NM_001395686.1); c.2962G>C, p.Gly988Arg (NM_001395691.1); short protein forms G1177R, G616R, G1042R, G988R, G1083R.
Identifiers: ClinVar variation 3640678 (VCV003640678.2).

ClinVar aggregate classification (germline): Uncertain significance (1 of 4 stars; one submission).

Conditions:
DICER1-related tumor predisposition. Also called: DICER1-related pleuropulmonary blastoma cancer predisposition syndrome; DICER1 syndrome. Identifiers: Orphanet 284343, MedGen C3839822, MONDO:0100216.

Submission:

Labcorp Genetics (formerly Invitae), Labcorp
Classification: Uncertain significance for DICER1-related tumor predisposition. Last evaluated: 2024-02-14. Review status: criteria provided, single submitter. Criteria: Invitae Variant Classification Sherloc (09022015). Collection method: clinical testing. Allele origin: germline.
Comment: This sequence change replaces glycine, which is neutral and non-polar, with arginine, which is basic and polar, at codon 1177 of the DICER1 protein (p.Gly1177Arg). This variant is not present in population databases (gnomAD no frequency). This variant has not been reported in the literature in individuals affected with DICER1-related conditions. Advanced modeling of protein sequence and biophysical properties (such as structural, functional, and spatial information, amino acid conservation, physicochemical variation, residue mobility, and thermodynamic stability) performed at Invitae indicates that this missense variant is not expected to disrupt DICER1 protein function with a negative predictive value of 80%. In summary, the available evidence is currently insufficient to determine the role of this variant in disease. Therefore, it has been classified as a Variant of Uncertain Significance.